The following is an entry in ClinVar:

NM_001735.3(C5):c.555del (p.Pro186fs)

Gene: C5 (complement C5; minus strand). Cytogenetic location: 9q33.2.
Variant type: Deletion.
Coding change: c.555del on transcript NM_001735.3 (MANE Select); coding-DNA position 555, one base deleted (T; older notation c.555delT).
Protein change: p.Pro186fs; shifts the reading frame from proline 186.
Molecular consequence: frameshift variant.
Genome position (GRCh38, 1-based): chr9:121,034,832, A deleted on the plus strand (T on the coding strand, the reverse complement: C5 is on the minus strand); the first of 4 consecutive A bases (chr9:121,034,832-121,034,835); deleting any one gives the same sequence. VCF-style (leftmost placement, unchanged base first): chr9-121034831-GA-G. GRCh37 (hg19) VCF-style: chr9-123797109-GA-G.
Other names: c.573del, p.Pro192fs (NM_001317163.2); c.555del, p.Pro186fs (NM_001317164.2); short protein forms P186fs, P192fs.
Identifiers: ClinVar variation 1382437 (VCV001382437.6), dbSNP rs2131803905, ClinGen allele CA2573143864.

ClinVar aggregate classification (germline): Pathogenic (1 of 4 stars; one submission).

Submission:

Labcorp Genetics (formerly Invitae), Labcorp
Classification: Pathogenic. Last evaluated: 2025-10-23. Review status: criteria provided, single submitter. Criteria: Invitae Variant Classification Sherloc (09022015). Collection method: clinical testing. Allele origin: germline.
Comment: This sequence change creates a premature translational stop signal (p.Pro186Leufs*65) in the C5 gene. It is expected to result in an absent or disrupted protein product. Loss-of-function variants in C5 are known to be pathogenic (PMID: 7730648, 19414197, 27026170). This variant is not present in population databases (gnomAD no frequency). This variant has not been reported in the literature in individuals affected with C5-related conditions. ClinVar contains an entry for this variant (Variation ID: 1382437). For these reasons, this variant has been classified as Pathogenic.

Literature cited by the submitters: PubMed 7730648; PubMed 19414197; PubMed 27026170.